The following is an entry in ClinVar:

ClinVar aggregate classification (germline): Uncertain significance (1 of 4 stars; one submission).

Conditions:
Glycogen storage disease IXb (GSD9B). Also called: GLYCOGENOSIS OF LIVER AND MUSCLE, AUTOSOMAL RECESSIVE; GSD IXb; PHOSPHORYLASE KINASE DEFICIENCY OF LIVER AND MUSCLE, AUTOSOMAL RECESSIVE. Identifiers: Orphanet 79240, MedGen C0543514, MONDO:0009868, OMIM 261750.

Submission:

Labcorp Genetics (formerly Invitae), Labcorp
Classification: Uncertain significance for Glycogen storage disease IXb. Last evaluated: 2022-12-19. Review status: criteria provided, single submitter. Criteria: Invitae Variant Classification Sherloc (09022015). Collection method: clinical testing. Allele origin: germline.
Comment: This variant is not present in population databases (gnomAD no frequency). In summary, the available evidence is currently insufficient to determine the role of this variant in disease. Therefore, it has been classified as a Variant of Uncertain Significance. Algorithms developed to predict the effect of missense changes on protein structure and function are either unavailable or do not agree on the potential impact of this missense change (SIFT: "Deleterious"; PolyPhen-2: "Probably Damaging"; Align-GVGD: "Class C0"). This variant has not been reported in the literature in individuals affected with PHKB-related conditions. This sequence change replaces glycine, which is neutral and non-polar, with arginine, which is basic and polar, at codon 219 of the PHKB protein (p.Gly219Arg).

NM_000293.3(PHKB):c.655G>C (p.Gly219Arg)

Gene: PHKB (phosphorylase kinase regulatory subunit beta; plus strand). Cytogenetic location: 16q12.1.
Variant type: single nucleotide variant.
Coding change: c.655G>C on transcript NM_000293.3 (MANE Select); coding-DNA position 655, G replaced by C.
Protein change: p.Gly219Arg; replaces glycine 219 with arginine.
Molecular consequence: missense variant.
Genome position (GRCh38, 1-based): chr16:47,547,493, G>C. VCF-style: chr16-47547493-G-C. GRCh37 (hg19) VCF-style: chr16-47581404-G-C.
Other names: c.634G>C, p.Gly212Arg (NM_001031835.3); c.655G>C, p.Gly219Arg (NM_001363837.1); short protein forms G212R, G219R.
Identifiers: ClinVar variation 2812816 (VCV002812816.1), dbSNP rs1293620662, ClinGen allele CA395787435.